The following is an entry in ClinVar:

NM_001148.6(ANK2):c.3424A>C (p.Ile1142Leu)

Gene: ANK2 (ankyrin 2; plus strand). Cytogenetic location: 4q26.
Variant type: single nucleotide variant.
Coding change: c.3424A>C on transcript NM_001148.6 (MANE Select); coding-DNA position 3424, A replaced by C.
Protein change: p.Ile1142Leu; replaces isoleucine 1142 with leucine.
Molecular consequence: missense variant.
Genome position (GRCh38, 1-based): chr4:113,335,890, A>C. VCF-style: chr4-113335890-A-C. GRCh37 (hg19) VCF-style: chr4-114257046-A-C.
Other names: c.3397A>C, p.Ile1133Leu (NM_001127493.3); c.3436A>C, p.Ile1146Leu (NM_001354225.2); c.3325A>C, p.Ile1109Leu (NM_001354228.2, NM_001354258.2); c.3403A>C, p.Ile1135Leu (NM_001354230.2); c.3466A>C, p.Ile1156Leu (NM_001354231.2, NM_001354242.2); c.3460A>C, p.Ile1154Leu (NM_001354232.2); c.3421A>C, p.Ile1141Leu (NM_001354235.2, NM_001354246.2, NM_001354265.2); c.3322A>C, p.Ile1108Leu (NM_001354236.2); and 30 more; short protein forms I1014L, I1042L, I1047L, I1055L, I1067L, I1071L, I1075L, I1076L.
Identifiers: ClinVar variation 3626475 (VCV003626475.3).

ClinVar aggregate classification (germline): Uncertain significance. Review status: criteria provided, multiple submitters, no conflicts (2 of 4 stars). 2 submissions from 2 submitters: Uncertain significance (2). Last evaluated 2025-01-07.

Conditions:
Cardiovascular phenotype. Identifiers: MedGen CN230736.
Long QT syndrome (LQTS). Identifiers: MedGen C0023976, MeSH D008133, MONDO:0002442. Disease mechanism: loss of function. Inheritance: Various modes of inheritance.

gnomAD v4.1: 1 of 1,614,064 alleles (0.000062%); highest among the groups gnomAD compares: African/African-American, 0.0013%; no homozygotes.

Submissions (2):

Labcorp Genetics (formerly Invitae), Labcorp
Classification: Uncertain significance for Long QT syndrome. Last evaluated: 2025-01-07. Review status: criteria provided, single submitter. Criteria: Invitae Variant Classification Sherloc (09022015). Collection method: clinical testing. Allele origin: germline.
Comment: This sequence change replaces isoleucine, which is neutral and non-polar, with leucine, which is neutral and non-polar, at codon 1142 of the ANK2 protein (p.Ile1142Leu). This variant is not present in population databases (gnomAD no frequency). This variant has not been reported in the literature in individuals affected with ANK2-related conditions. Invitae Evidence Modeling of protein sequence and biophysical properties (such as structural, functional, and spatial information, amino acid conservation, physicochemical variation, residue mobility, and thermodynamic stability) indicates that this missense variant is expected to disrupt ANK2 protein function with a positive predictive value of 80%. In summary, the available evidence is currently insufficient to determine the role of this variant in disease. Therefore, it has been classified as a Variant of Uncertain Significance.

Ambry Genetics
Classification: Uncertain significance for Cardiovascular phenotype. Last evaluated: 2025-01-04. Review status: criteria provided, single submitter. Criteria: Ambry Variant Classification Scheme 2023. Collection method: clinical testing. Allele origin: germline.
Comment: The p.I1142L variant (also known as c.3424A>C), located in coding exon 30 of the ANK2 gene, results from an A to C substitution at nucleotide position 3424. The isoleucine at codon 1142 is replaced by leucine, an amino acid with highly similar properties. This amino acid position is conserved. In addition, the in silico prediction for this alteration is inconclusive. Based on the available evidence, the clinical significance of this variant remains unclear.